The following is an entry in ClinVar:

NM_000092.5(COL4A4):c.3007G>A (p.Glu1003Lys)

Gene: COL4A4 (collagen type IV alpha 4 chain; minus strand). Cytogenetic location: 2q36.3.
Variant type: single nucleotide variant.
Coding change: c.3007G>A on transcript NM_000092.5 (MANE Select); coding-DNA position 3007, G replaced by A.
Protein change: p.Glu1003Lys; replaces glutamic acid 1003 with lysine.
Molecular consequence: missense variant.
Genome position (GRCh38, 1-based): chr2:227,051,120, C>T on the plus strand (G>A on the coding strand, the complement: COL4A4 is on the minus strand). VCF-style: chr2-227051120-C-T. GRCh37 (hg19) VCF-style: chr2-227915836-C-T.
Other names: short protein forms E1003K.
Identifiers: ClinVar variation 3373285 (VCV003373285.2).

ClinVar aggregate classification (germline): Uncertain significance. Review status: criteria provided, multiple submitters, no conflicts (2 of 4 stars). 2 submissions from 2 submitters: Uncertain significance (2). Last evaluated 2024-12-25.

Conditions:
Inborn genetic diseases. Identifiers: MedGen C0950123, MeSH D030342.

Submissions (2):

Ambry Genetics
Classification: Uncertain significance for Inborn genetic diseases. Last evaluated: 2024-12-25. Review status: criteria provided, single submitter. Criteria: Ambry Variant Classification Scheme 2023. Collection method: clinical testing. Allele origin: germline.

GeneDx
Classification: Uncertain significance. Last evaluated: 2024-05-03. Review status: criteria provided, single submitter. Criteria: GeneDx Variant Classification Process June 2021. Collection method: clinical testing. Allele origin: germline. Affected: yes.
Comment: Not observed at significant frequency in large population cohorts (gnomAD); In silico analysis indicates that this missense variant does not alter protein structure/function; Has not been previously published as pathogenic or benign to our knowledge; Occurs in the triple helical domain at the X position in the canonical Gly-X-Y repeat; although this variant may have an effect on normal protein folding and function, missense substitution at the X position is not a common mechanism of disease